The following is an entry in ClinVar:

NM_006231.4(POLE):c.2774C>T (p.Ser925Leu)

Gene: POLE (DNA polymerase epsilon, catalytic subunit; minus strand). Cytogenetic location: 12q24.33.
Variant type: single nucleotide variant.
Coding change: c.2774C>T on transcript NM_006231.4 (MANE Select); coding-DNA position 2774, C replaced by T.
Protein change: p.Ser925Leu; replaces serine 925 with leucine.
Molecular consequence: missense variant.
Genome position (GRCh38, 1-based): chr12:132,661,617, G>A on the plus strand (C>T on the coding strand, the complement: POLE is on the minus strand). VCF-style: chr12-132661617-G-A. GRCh37 (hg19) VCF-style: chr12-133238203-G-A.
Other names: c.2774C>T (NM_006231.2); short protein forms S925L.
Identifiers: ClinVar variation 643283 (VCV000643283.9), dbSNP rs752724850, ClinGen allele CA246317402.

ClinVar aggregate classification (germline): Uncertain significance. Review status: criteria provided, multiple submitters, no conflicts (2 of 4 stars). 2 submissions from 2 submitters: Uncertain significance (2). Last evaluated 2025-09-03.

Conditions:
Hereditary cancer-predisposing syndrome. Also called: Neoplastic Syndromes, Hereditary; Tumor predisposition; Hereditary neoplastic syndrome; Hereditary Cancer Syndrome. Identifiers: Orphanet 140162, MedGen C0027672, MeSH D009386, MONDO:0015356.

Allele frequency attached by ClinVar (database versions not stated): gnomAD exomes below 0.00001; TOPMed below 0.00001.
gnomAD v4.1: 3 of 1,614,196 alleles (0.00019%); highest among the groups gnomAD compares: Non-Finnish European, 0.00025%; no homozygotes.

Submissions (2):

Labcorp Genetics (formerly Invitae), Labcorp
Classification: Uncertain significance. Last evaluated: 2025-09-03. Review status: criteria provided, single submitter. Criteria: Invitae Variant Classification Sherloc (09022015). Collection method: clinical testing. Allele origin: germline.
Comment: This sequence change replaces serine, which is neutral and polar, with leucine, which is neutral and non-polar, at codon 925 of the POLE protein (p.Ser925Leu). This variant is not present in population databases (gnomAD no frequency). This variant has not been reported in the literature in individuals affected with POLE-related conditions. ClinVar contains an entry for this variant (Variation ID: 643283). Invitae Evidence Modeling of protein sequence and biophysical properties (such as structural, functional, and spatial information, amino acid conservation, physicochemical variation, residue mobility, and thermodynamic stability) indicates that this missense variant is not expected to disrupt POLE protein function with a negative predictive value of 80%. In summary, the available evidence is currently insufficient to determine the role of this variant in disease. Therefore, it has been classified as a Variant of Uncertain Significance.

Ambry Genetics
Classification: Uncertain significance for Hereditary cancer-predisposing syndrome. Last evaluated: 2025-03-29. Review status: criteria provided, single submitter. Criteria: Ambry Variant Classification Scheme 2023. Collection method: clinical testing. Allele origin: germline.
Comment: The p.S925L variant (also known as c.2774C>T), located in coding exon 24 of the POLE gene, results from a C to T substitution at nucleotide position 2774. The serine at codon 925 is replaced by leucine, an amino acid with dissimilar properties. This amino acid position is conserved. In addition, this alteration is predicted to be tolerated by in silico analysis. Based on the available evidence, the clinical significance of this variant remains unclear.